The following is an entry in ClinVar:

NM_001277115.2(DNAH11):c.10673A>G (p.Asn3558Ser)

Gene: DNAH11 (dynein axonemal heavy chain 11; plus strand). Cytogenetic location: 7p15.3.
Variant type: single nucleotide variant.
Coding change: c.10673A>G on transcript NM_001277115.2 (MANE Select); coding-DNA position 10673, A replaced by G.
Protein change: p.Asn3558Ser; replaces asparagine 3558 with serine.
Molecular consequence: missense variant.
Genome position (GRCh38, 1-based): chr7:21,818,321, A>G. VCF-style: chr7-21818321-A-G. GRCh37 (hg19) VCF-style: chr7-21857939-A-G.
Other names: c.10673A>G (NM_001277115.1); c.10694A>G, p.Asn3565Ser (NM_003777.3); short protein forms N3558S, N3565S.
Identifiers: ClinVar variation 3015070 (VCV003015070.4), dbSNP rs752231547, ClinGen allele CA4182433.
Genomic context (GRCh38, chr7:21,818,321, plus strand): 5'-TCTTAATTGAAAATCTCGAGGAAACGATAGATCCAGTCCTGGATCCACTACTTGGCAGGA[A>G]CACAATTAAAAAAGGAAAGTAAGTATTCTTGAATTTTTAACATATATATCTTGCTAAATG-3'
Protein context (NP_001264044.1, residues 3548-3568): DPVLDPLLGR[Asn3558Ser]TIKKGKYIRI

ClinVar aggregate classification (germline): Conflicting classifications of pathogenicity. Review status: criteria provided, conflicting classifications (1 of 4 stars). 2 submissions from 2 submitters: Uncertain significance (1); Benign (1). Last evaluated 2024-06-30.

Conditions:
Primary ciliary dyskinesia. Also called: Ciliary dyskinesia. Identifiers: Orphanet 244, MedGen C0008780, MONDO:0016575, HP:0012265.

Allele frequency attached by ClinVar (database versions not stated): gnomAD exomes below 0.00001; TOPMed below 0.00001; ExAC 0.00001.
gnomAD v4.1: 3 of 1,605,796 alleles (0.00019%); highest among the groups gnomAD compares: African/African-American, 0.0013%; no homozygotes.

Submissions (2):

Ambry Genetics
Classification: Uncertain significance for Primary ciliary dyskinesia. Last evaluated: 2024-06-30. Review status: criteria provided, single submitter. Criteria: Ambry Variant Classification Scheme 2023. Collection method: clinical testing. Allele origin: germline.
Comment: The p.N3558S variant (also known as c.10673A>G), located in coding exon 65 of the DNAH11 gene, results from an A to G substitution at nucleotide position 10673. The asparagine at codon 3558 is replaced by serine, an amino acid with highly similar properties. This amino acid position is conserved. In addition, this alteration is predicted to be tolerated by in silico analysis. Based on the available evidence, the clinical significance of this variant remains unclear.

Labcorp Genetics (formerly Invitae), Labcorp
Classification: Benign for Primary ciliary dyskinesia. Last evaluated: 2023-12-14. Review status: criteria provided, single submitter. Criteria: Invitae Variant Classification Sherloc (09022015). Collection method: clinical testing. Allele origin: germline.